The following is an entry in ClinVar:

NM_014704.4(CEP104):c.520C>T (p.Leu174Phe)

Gene: CEP104 (centrosomal protein 104; minus strand). Cytogenetic location: 1p36.32.
Variant type: single nucleotide variant.
Coding change: c.520C>T on transcript NM_014704.4 (MANE Select); coding-DNA position 520, C replaced by T.
Protein change: p.Leu174Phe; replaces leucine 174 with phenylalanine.
Molecular consequence: missense variant.
Genome position (GRCh38, 1-based): chr1:3,844,953, G>A on the plus strand (C>T on the coding strand, the complement: CEP104 is on the minus strand). VCF-style: chr1-3844953-G-A. GRCh37 (hg19) VCF-style: chr1-3761517-G-A.
Other names: short protein forms L174F.
Identifiers: ClinVar variation 2862220 (VCV002862220.3), dbSNP rs1243590943, ClinGen allele CA338046082.

ClinVar aggregate classification (germline): Uncertain significance (1 of 4 stars; one submission).

Conditions:
Joubert syndrome 25 (JBTS25). Identifiers: Orphanet 475, MedGen C4084842, MONDO:0014770, OMIM 616781.

Submission:

Labcorp Genetics (formerly Invitae), Labcorp
Classification: Uncertain significance for Joubert syndrome 25. Last evaluated: 2023-05-05. Review status: criteria provided, single submitter. Criteria: Invitae Variant Classification Sherloc (09022015). Collection method: clinical testing. Allele origin: germline.
Comment: In summary, the available evidence is currently insufficient to determine the role of this variant in disease. Therefore, it has been classified as a Variant of Uncertain Significance. An algorithm developed to predict the effect of missense changes on protein structure and function (PolyPhen-2) suggests that this variant is likely to be disruptive. This variant has not been reported in the literature in individuals affected with CEP104-related conditions. This variant is not present in population databases (gnomAD no frequency). This sequence change replaces leucine, which is neutral and non-polar, with phenylalanine, which is neutral and non-polar, at codon 174 of the CEP104 protein (p.Leu174Phe).